The following is an entry in ClinVar:

NM_138694.4(PKHD1):c.3479dup (p.Glu1161fs)

Gene: PKHD1 (PKHD1 ciliary IPT domain containing fibrocystin/polyductin; minus strand). Cytogenetic location: 6p12.2.
Variant type: Duplication.
Coding change: c.3479dup on transcript NM_138694.4 (MANE Select); coding-DNA position 3479, one base duplicated (T; older notation c.3479dupT).
Protein change: p.Glu1161fs; shifts the reading frame from glutamic acid 1161.
Molecular consequence: frameshift variant.
Genome position (GRCh38, 1-based): chr6:52,028,237, A duplicated on the plus strand (T on the coding strand, the reverse complement: PKHD1 is on the minus strand). VCF-style (leftmost placement, unchanged base first): chr6-52028236-C-CA. GRCh37 (hg19) VCF-style: chr6-51893034-C-CA.
Other names: c.3479dup, p.Glu1161fs (NM_170724.3); short protein forms E1161fs.
Identifiers: ClinVar variation 1947684 (VCV001947684.6), dbSNP rs2532789681, ClinGen allele CA2580075511.

ClinVar aggregate classification (germline): Pathogenic/Likely pathogenic. Review status: criteria provided, multiple submitters, no conflicts (2 of 4 stars). 2 submissions from 2 submitters: Pathogenic (1); Likely pathogenic (1). Last evaluated 2023-11-11.

Conditions:
Polycystic kidney disease 4 (PKD4). Also called: Autosomal Recessive Polycystic Kidney Disease – PKHD1; POLYCYSTIC KIDNEY AND HEPATIC DISEASE 1; POLYCYSTIC KIDNEY DISEASE, INFANTILE, TYPE I; POLYCYSTIC KIDNEY DISEASE 4 WITH OR WITHOUT POLYCYSTIC LIVER DISEASE; PKD3. Identifiers: MedGen C4540575, MONDO:0033004, OMIM 263200.
Autosomal recessive polycystic kidney disease (ARPKD). Also called: AR polycystic kidney disease. Identifiers: Orphanet 731, Orphanet 8378, MedGen C0085548, MeSH D017044, MONDO:0009889.

Allele frequency attached by ClinVar (database versions not stated): gnomAD exomes below 0.00001.

Submissions (2):

Baylor Genetics
Classification: Likely pathogenic for Polycystic kidney disease 4. Last evaluated: 2023-11-11. Review status: criteria provided, single submitter. Criteria: ACMG Guidelines, 2015. Collection method: clinical testing. Allele origin: unknown.

Labcorp Genetics (formerly Invitae), Labcorp
Classification: Pathogenic for Autosomal recessive polycystic kidney disease. Last evaluated: 2022-01-03. Review status: criteria provided, single submitter. Criteria: Invitae Variant Classification Sherloc (09022015). Collection method: clinical testing. Allele origin: germline.
Comment: This sequence change creates a premature translational stop signal (p.Glu1161Glyfs*29) in the PKHD1 gene. It is expected to result in an absent or disrupted protein product. Loss-of-function variants in PKHD1 are known to be pathogenic (PMID: 19940839). This variant is not present in population databases (gnomAD no frequency). This variant has not been reported in the literature in individuals affected with PKHD1-related conditions. For these reasons, this variant has been classified as Pathogenic.

Literature cited by the submitters: PubMed 19940839 (cited by Labcorp Genetics (formerly Invitae), Labcorp).